The following is an entry in ClinVar:

NM_001286577.2(C2CD3):c.4718C>G (p.Ser1573Cys)

Gene: C2CD3 (C2 domain containing 3 centriole elongation regulator; minus strand). Cytogenetic location: 11q13.4.
Variant type: single nucleotide variant.
Coding change: c.4718C>G on transcript NM_001286577.2 (MANE Select); coding-DNA position 4718, C replaced by G.
Protein change: p.Ser1573Cys; replaces serine 1573 with cysteine.
Molecular consequence: missense variant.
Genome position (GRCh38, 1-based): chr11:74,074,486, G>C on the plus strand (C>G on the coding strand, the complement: C2CD3 is on the minus strand). VCF-style: chr11-74074486-G-C. GRCh37 (hg19) VCF-style: chr11-73785531-G-C.
Other names: c.4718C>G, p.Ser1573Cys (NM_015531.6); c.4718C>G (NM_015531.4); short protein forms S1573C.
Identifiers: ClinVar variation 1899087 (VCV001899087.4), dbSNP rs142361614, ClinGen allele CA6182079.

ClinVar aggregate classification (germline): Uncertain significance. Review status: criteria provided, multiple submitters, no conflicts (2 of 4 stars). 2 submissions from 2 submitters: Uncertain significance (2). Last evaluated 2025-11-06.

Conditions:
Inborn genetic diseases. Identifiers: MedGen C0950123, MeSH D030342.

Allele frequency attached by ClinVar (database versions not stated): TOPMed below 0.00001; ExAC 0.00001; ESP Exome Variant Server 0.00015.
gnomAD v4.1: 3 of 1,614,198 alleles (0.00019%); highest among the groups gnomAD compares: Non-Finnish European, 0.00017%; no homozygotes.

Submissions (2):

Ambry Genetics
Classification: Uncertain significance for Inborn genetic diseases. Last evaluated: 2025-11-06. Review status: criteria provided, single submitter. Criteria: Ambry Variant Classification Scheme 2023. Collection method: clinical testing. Allele origin: germline.

Labcorp Genetics (formerly Invitae), Labcorp
Classification: Uncertain significance. Last evaluated: 2021-12-24. Review status: criteria provided, single submitter. Criteria: Invitae Variant Classification Sherloc (09022015). Collection method: clinical testing. Allele origin: germline.
Comment: In summary, the available evidence is currently insufficient to determine the role of this variant in disease. Therefore, it has been classified as a Variant of Uncertain Significance. Algorithms developed to predict the effect of missense changes on protein structure and function (SIFT, PolyPhen-2, Align-GVGD) all suggest that this variant is likely to be tolerated. This variant has not been reported in the literature in individuals affected with C2CD3-related conditions. The frequency data for this variant in the population databases is considered unreliable, as metrics indicate poor data quality at this position in the gnomAD database. This sequence change replaces serine, which is neutral and polar, with cysteine, which is neutral and slightly polar, at codon 1573 of the C2CD3 protein (p.Ser1573Cys).